The following is an entry in ClinVar:

ClinVar aggregate classification (germline): Uncertain significance. Review status: criteria provided, multiple submitters, no conflicts (2 of 4 stars). 3 submissions from 3 submitters: Uncertain significance (3). Last evaluated 2024-05-06.

Allele frequency attached by ClinVar (database versions not stated): ExAC 0.00006; gnomAD 0.00003; TOPMed 0.00006.
gnomAD v4.1: 54 of 1,614,212 alleles (0.0033%); highest among the groups gnomAD compares: Middle Eastern, 0.033%; no homozygotes.

Submissions (3):

Labcorp Genetics (formerly Invitae), Labcorp
Classification: Uncertain significance. Last evaluated: 2024-05-06. Review status: criteria provided, single submitter. Criteria: Invitae Variant Classification Sherloc (09022015). Collection method: clinical testing. Allele origin: germline.
Comment: This sequence change replaces arginine, which is basic and polar, with glutamine, which is neutral and polar, at codon 690 of the AGBL5 protein (p.Arg690Gln). This variant is present in population databases (rs772756784, gnomAD 0.01%). This variant has not been reported in the literature in individuals affected with AGBL5-related conditions. ClinVar contains an entry for this variant (Variation ID: 943628). An algorithm developed to predict the effect of missense changes on protein structure and function (PolyPhen-2) suggests that this variant is likely to be disruptive. In summary, the available evidence is currently insufficient to determine the role of this variant in disease. Therefore, it has been classified as a Variant of Uncertain Significance.

Blueprint Genetics
Classification: Uncertain significance. Last evaluated: 2024-03-15. Review status: criteria provided, single submitter. Criteria: ACMG Guidelines, 2015. Collection method: clinical testing. Allele origin: germline.

Breakthrough Genomics
Classification: Uncertain significance. Review status: criteria provided, single submitter. Criteria: ACMG Guidelines, 2015. Collection method: not provided. Allele origin: germline. Inheritance: Autosomal recessive inheritance. Affected: yes.

NM_021831.6(AGBL5):c.2069G>A (p.Arg690Gln)

Gene: AGBL5 (AGBL carboxypeptidase 5; plus strand). Cytogenetic location: 2p23.3.
Variant type: single nucleotide variant.
Coding change: c.2069G>A on transcript NM_021831.6 (MANE Select); coding-DNA position 2069, G replaced by A.
Protein change: p.Arg690Gln; replaces arginine 690 with glutamine.
Molecular consequence: missense variant. On other transcripts: non-coding transcript variant (2).
Genome position (GRCh38, 1-based): chr2:27,059,384, G>A. VCF-style: chr2-27059384-G-A. GRCh37 (hg19) VCF-style: chr2-27282252-G-A.
Other names: c.2069G>A, p.Arg690Gln (NM_001035507.3); short protein forms R690Q.
Identifiers: ClinVar variation 943628 (VCV000943628.8), dbSNP rs772756784, ClinGen allele CA1568054.